The following is an entry in ClinVar:

ClinVar aggregate classification (germline): Pathogenic (1 of 4 stars; one submission).

Conditions:
Spongy degeneration of central nervous system. Also called: ASP DEFICIENCY; ASPA DEFICIENCY; ASPARTOACYLASE DEFICIENCY; CANAVAN-VAN BOGAERT-BERTRAND DISEASE; Canavan disease; Von Bogaert-Bertrand disease. Identifiers: Orphanet 141, MedGen C0206307, MONDO:0010079, OMIM 271900.

Submission:

Labcorp Genetics (formerly Invitae), Labcorp
Classification: Pathogenic for Spongy degeneration of central nervous system. Last evaluated: 2022-09-20. Review status: criteria provided, single submitter. Criteria: Invitae Variant Classification Sherloc (09022015). Collection method: clinical testing. Allele origin: germline.
Comment: For these reasons, this variant has been classified as Pathogenic. This variant has not been reported in the literature in individuals affected with ASPA-related conditions. This variant is a gross deletion of the genomic region encompassing exon(s) 1-2 of the ASPA gene, which includes the initiator codon. This deletion extends beyond the assayed region for this gene and therefore may encompass additional genes. It is expected to result in an absent or disrupted protein product. Loss-of-function variants in ASPA are known to be pathogenic (PMID: 12638939).

Literature cited by the submitters: PubMed 12638939.

NC_000017.10:g.(?_3379454)_(3385112_?)del

Gene: ASPA (aspartoacylase; plus strand). Cytogenetic location: 17p13.2.
Variant type: Deletion.
Identifiers: ClinVar variation 2422203 (VCV002422203.4).